The following is an entry in ClinVar:

ClinVar aggregate classification (germline): Uncertain significance. Review status: criteria provided, multiple submitters, no conflicts (2 of 4 stars). 2 submissions from 2 submitters: Uncertain significance (2). Last evaluated 2026-08-26.

Allele frequency attached by ClinVar (database versions not stated): gnomAD 0.00006 and 0.00008; TOPMed 0.00008; gnomAD exomes 0.00005.
gnomAD v4.1: 352 of 1,549,892 alleles (0.023%); highest among the groups gnomAD compares: Non-Finnish European, 0.03%; 2 homozygotes.

Submissions (2):

GeneDx
Classification: Uncertain significance. Last evaluated: 2026-08-26. Review status: criteria provided, single submitter. Criteria: GeneDx Variant Classification Process June 2021. Collection method: clinical testing. Allele origin: germline.
Comment: In silico analysis suggests that this missense variant does not alter protein structure/function; Has not been previously published as pathogenic or benign to our knowledge

Labcorp Genetics (formerly Invitae), Labcorp
Classification: Uncertain significance. Last evaluated: 2021-10-24. Review status: criteria provided, single submitter. Criteria: Invitae Variant Classification Sherloc (09022015). Collection method: clinical testing. Allele origin: germline.
Comment: Algorithms developed to predict the effect of missense changes on protein structure and function are either unavailable or do not agree on the potential impact of this missense change (SIFT: "Tolerated"; PolyPhen-2: "Possibly Damaging"; Align-GVGD: "Class C0"). This variant has not been reported in the literature in individuals affected with OTOG-related conditions. This variant is present in population databases (rs752900573, gnomAD 0.01%). This sequence change replaces histidine, which is basic and polar, with tyrosine, which is neutral and polar, at codon 2748 of the OTOG protein (p.His2748Tyr). In summary, the available evidence is currently insufficient to determine the role of this variant in disease. Therefore, it has been classified as a Variant of Uncertain Significance.

NM_001292063.2(OTOG):c.8206C>T (p.His2736Tyr)

Gene: OTOG (otogelin; plus strand). Cytogenetic location: 11p15.1.
Variant type: single nucleotide variant.
Coding change: c.8206C>T on transcript NM_001292063.2 (MANE Select); coding-DNA position 8206, C replaced by T.
Protein change: p.His2736Tyr; replaces histidine 2736 with tyrosine.
Molecular consequence: missense variant.
Genome position (GRCh38, 1-based): chr11:17,641,862, C>T. VCF-style: chr11-17641862-C-T. GRCh37 (hg19) VCF-style: chr11-17663409-C-T.
Other names: c.8242C>T (NM_001277269.1); c.8242C>T, p.His2748Tyr (NM_001277269.2); short protein forms H2736Y, H2748Y.
Identifiers: ClinVar variation 1449745 (VCV001449745.8), dbSNP rs752900573, ClinGen allele CA5906251.
Genomic context (GRCh38, chr11:17,641,862, plus strand): 5'-TGGAGGTGGGCATCTGGCTGAGGCCCACCCCGCCCTGGCCTGTAGAACCAGGAGTACGAG[C>T]ACCCGCGGGACCTCGCTGCCTGCTGCGGCTCCTGCAGGAACGTGTCCTGTCTCTTCACCT-3'
Protein context (NP_001278992.1, residues 2726-2746): IHCEANQEYE[His2736Tyr]PRDLAACCGS